The following is an entry in ClinVar:

NM_001007527.2(LMBRD2):c.149T>C (p.Phe50Ser)

Gene: LMBRD2 (LMBR1 domain containing 2; minus strand). Cytogenetic location: 5p13.2.
Variant type: single nucleotide variant.
Coding change: c.149T>C on transcript NM_001007527.2 (MANE Select); coding-DNA position 149, T replaced by C.
Protein change: p.Phe50Ser; replaces phenylalanine 50 with serine.
Molecular consequence: missense variant.
Genome position (GRCh38, 1-based): chr5:36,143,201, A>G on the plus strand (T>C on the coding strand, the complement: LMBRD2 is on the minus strand). VCF-style: chr5-36143201-A-G. GRCh37 (hg19) VCF-style: chr5-36143303-A-G.
Other names: short protein forms F50S.
Identifiers: ClinVar variation 1699429 (VCV001699429.3), dbSNP rs2111911679, ClinGen allele CA359454529.

ClinVar aggregate classification (germline): Likely pathogenic (1 of 4 stars; one submission).

Conditions:
Developmental delay with variable neurologic and brain abnormalities (MLHNS). Also called: MALHOTRA NEURODEVELOPMENTAL SYNDROME. Identifiers: MedGen C5562060, MONDO:0859218, OMIM 619694.

Submission:

Victorian Clinical Genetics Services, Murdoch Childrens Research Institute
Classification: Likely pathogenic for Developmental delay with variable neurologic and brain abnormalities. Last evaluated: 2022-06-24. Review status: criteria provided, single submitter. Criteria: ACMG Guidelines, 2015. Collection method: clinical testing. Allele origin: germline. Inheritance: Autosomal dominant inheritance. Affected: yes.
Comment: Based on the classification scheme VCGS_Germline_v1.3.4, this variant is classified as Likely pathogenic. Following criteria are met: 0105 - The mechanism of disease for this gene is not clearly established. However, due to the prevalence of de novo missense variants identified in patients, gain of function or dominant negative are both suggested mechanisms of disease (PMID: 32820033). (I) 0107 - This gene is associated with autosomal dominant disease (PMID: 32820033). (I) 0115 - Variants in this gene are known to have variable expressivity. Affected individuals are reported with varying severity and phenotypes (PMID: 32820033). (I) 0200 - Variant is predicted to result in a missense amino acid change from phenylalanine to serine. (I) 0251 - This variant is heterozygous. (I) 0301 - Variant is absent from gnomAD (both v2 and v3). (SP) 0309 - An alternative amino acid change at the same position has been observed in gnomAD (v2: 1 heterozygote, 0 homozygotes). (I) 0501 - Missense variant consistently predicted to be damaging by multiple in silico tools or highly conserved with a major amino acid change. (SP) 0600 - Variant is located in the annotated LMBRD1-like membrane protein domain (NCBI). (I) 0705 - No comparable missense variants have previous evidence for pathogenicity. (I) 0807 - This variant has no previous evidence of pathogenicity. (I) 0905 - No published segregation evidence has been identified for this variant. (I) 1007 - No published functional evidence has been identified for this variant. (SP) Legend: (SP) - Supporting pathogenic, (I) - Information, (SB) - Supporting benign

Literature cited by the submitters: PubMed 32820033.